The following is an entry in ClinVar:

ClinVar aggregate classification (germline): Benign (1 of 4 stars; one submission).

Conditions:
Tuberous sclerosis 1 (TSC1). Identifiers: Orphanet 805, MedGen C1854465, MONDO:0008612, OMIM 191100.

Submission:

Myriad Genetics, Inc.
Classification: Benign for Tuberous sclerosis 1. Last evaluated: 2025-04-09. Review status: criteria provided, single submitter. Criteria: Myriad Autosomal Dominant, Autosomal Recessive and X-Linked Classification Criteria (2023). Collection method: clinical testing. Allele origin: unknown.
Comment: This variant is considered benign. This variant is a silent/synonymous amino acid change and it is not expected to impact splicing.

NM_000368.5(TSC1):c.1380A>G (p.Pro460=)

Gene: TSC1 (TSC complex subunit 1; minus strand). Cytogenetic location: 9q34.13.
Variant type: single nucleotide variant.
Coding change: c.1380A>G on transcript NM_000368.5 (MANE Select); coding-DNA position 1380, A replaced by G.
Protein change: p.Pro460=; no amino-acid change (proline 460 retained).
Molecular consequence: synonymous variant. On other transcripts: non-coding transcript variant (5).
Genome position (GRCh38, 1-based): chr9:132,906,789, T>C on the plus strand (A>G on the coding strand, the complement: TSC1 is on the minus strand). VCF-style: chr9-132906789-T-C. GRCh37 (hg19) VCF-style: chr9-135782176-T-C.
Other names: c.1377A>G, p.Pro459= (NM_001162426.2, NM_001406597.1, NM_001406598.1 and 6 more transcripts); c.1227A>G, p.Pro409= (NM_001162427.2, NM_001406610.1); c.1017A>G, p.Pro339= (NM_001362177.2, NM_001406614.1, NM_001406615.1 and 5 more transcripts); c.1380A>G, p.Pro460= (NM_001406592.1, NM_001406593.1, NM_001406594.1 and 7 more transcripts); c.1224A>G, p.Pro408= (NM_001406611.1, NM_001406612.1, NM_001406613.1); c.1014A>G, p.Pro338= (NM_001406620.1, NM_001406621.1, NM_001406622.1 and 2 more transcripts); c.429A>G, p.Pro143= (NM_001406626.1); c.426A>G, p.Pro142= (NM_001406627.1, NM_001406628.1); and 1 more.
Identifiers: ClinVar variation 4071317 (VCV004071317.1).
Genomic context (GRCh38, chr9:132,906,789, plus strand): 5'-ACCTTCTTCTTTATCTTTTTCAATACTATCTTCTTCAGAGGCCAGATCACCTAAAAACCC[T>C]GGAAGATCACTTAGAGTGACAGAACCTTTGCTGCCAGGTGGCTCTTCTGAAGAGAAACAA-3'
Protein context (NP_000359.1, residues 450-470): SKGSVTLSDL[Pro460=]GFLGDLASEE